The following is an entry in ClinVar:

ClinVar aggregate classification (germline): Uncertain significance. Review status: criteria provided, multiple submitters, no conflicts (2 of 4 stars). 2 submissions from 2 submitters: Uncertain significance (2). Last evaluated 2025-05-01.

Conditions:
Inborn genetic diseases. Identifiers: MedGen C0950123, MeSH D030342.

Allele frequency attached by ClinVar (database versions not stated): TOPMed below 0.00001; ExAC 0.00001; gnomAD 0.00001; gnomAD exomes 0.00001.
gnomAD v4.1: 12 of 1,613,456 alleles (0.00074%); highest among the groups gnomAD compares: African/African-American, 0.0027%; no homozygotes.

Submissions (2):

Ambry Genetics
Classification: Uncertain significance for Inborn genetic diseases. Last evaluated: 2025-05-01. Review status: criteria provided, single submitter. Criteria: Ambry Variant Classification Scheme 2023. Collection method: clinical testing. Allele origin: germline.

Labcorp Genetics (formerly Invitae), Labcorp
Classification: Uncertain significance. Last evaluated: 2022-07-21. Review status: criteria provided, single submitter. Criteria: Invitae Variant Classification Sherloc (09022015). Collection method: clinical testing. Allele origin: germline.
Comment: This variant has not been reported in the literature in individuals affected with LYN-related conditions. In summary, the available evidence is currently insufficient to determine the role of this variant in disease. Therefore, it has been classified as a Variant of Uncertain Significance. Algorithms developed to predict the effect of missense changes on protein structure and function (SIFT, PolyPhen-2, Align-GVGD) all suggest that this variant is likely to be disruptive. This variant is present in population databases (rs774711116, gnomAD 0.0009%). This sequence change replaces alanine, which is neutral and non-polar, with threonine, which is neutral and polar, at codon 70 of the LYN protein (p.Ala70Thr).

NM_002350.4(LYN):c.208G>A (p.Ala70Thr)

Gene: LYN (LYN proto-oncogene, Src family tyrosine kinase; plus strand). Cytogenetic location: 8q12.1.
Variant type: single nucleotide variant.
Coding change: c.208G>A on transcript NM_002350.4 (MANE Select); coding-DNA position 208, G replaced by A.
Protein change: p.Ala70Thr; replaces alanine 70 with threonine.
Molecular consequence: missense variant.
Genome position (GRCh38, 1-based): chr8:55,947,647, G>A. VCF-style: chr8-55947647-G-A. GRCh37 (hg19) VCF-style: chr8-56860206-G-A.
Other names: c.145G>A, p.Ala49Thr (NM_001111097.3); c.208G>A (NM_002350.3); short protein forms A70T, A49T.
Identifiers: ClinVar variation 1927038 (VCV001927038.6), dbSNP rs774711116, ClinGen allele CA4753951.